The following is an entry in ClinVar:

NM_020638.3(FGF23):c.316-3C>T

Gene: FGF23 (fibroblast growth factor 23; minus strand). Cytogenetic location: 12p13.32.
Variant type: single nucleotide variant.
Coding change: c.316-3C>T on transcript NM_020638.3 (MANE Select); 3 bases into the intron before coding-DNA position 316, C replaced by T.
Molecular consequence: intron variant.
Genome position (GRCh38, 1-based): chr12:4,370,786, G>A on the plus strand (C>T on the coding strand, the complement: FGF23 is on the minus strand). VCF-style: chr12-4370786-G-A. GRCh37 (hg19) VCF-style: chr12-4479952-G-A.
Identifiers: ClinVar variation 1970595 (VCV001970595.5), dbSNP rs754992902, ClinGen allele CA6395706.

ClinVar aggregate classification (germline): Uncertain significance (1 of 4 stars; one submission).

Allele frequency attached by ClinVar (database versions not stated): ExAC 0.00001.

Submission:

Labcorp Genetics (formerly Invitae), Labcorp
Classification: Uncertain significance. Last evaluated: 2026-01-27. Review status: criteria provided, single submitter. Criteria: Invitae Variant Classification Sherloc (09022015). Collection method: clinical testing. Allele origin: germline.
Comment: This sequence change falls in intron 2 of the FGF23 gene. It does not directly change the encoded amino acid sequence of the FGF23 protein. It affects a nucleotide within the consensus splice site. This variant is not present in population databases (gnomAD no frequency). This variant has not been reported in the literature in individuals affected with FGF23-related conditions. ClinVar contains an entry for this variant (Variation ID: 1970595). Variants that disrupt the consensus splice site are a relatively common cause of aberrant splicing (PMID: 17576681, 9536098). Algorithms developed to predict the effect of sequence changes on RNA splicing suggest that this variant is not likely to affect RNA splicing. In summary, the available evidence is currently insufficient to determine the role of this variant in disease. Therefore, it has been classified as a Variant of Uncertain Significance.

Literature cited by the submitters: PubMed 17576681; PubMed 9536098.